The following is an entry in ClinVar:

NM_000038.6(APC):c.2859A>G (p.Lys953=)

Gene: APC (APC regulator of Wnt signaling pathway; plus strand). Cytogenetic location: 5q22.2.
Variant type: single nucleotide variant.
Coding change: c.2859A>G on transcript NM_000038.6 (MANE Select); coding-DNA position 2859, A replaced by G.
Protein change: p.Lys953=; no amino-acid change (lysine 953 retained).
Molecular consequence: synonymous variant.
Genome position (GRCh38, 1-based): chr5:112,838,453, A>G. VCF-style: chr5-112838453-A-G. GRCh37 (hg19) VCF-style: chr5-112174150-A-G.
Other names: c.2859A>G, p.Lys953= (NM_001127510.3, NM_001354895.2); c.2805A>G, p.Lys935= (NM_001127511.3); c.2913A>G, p.Lys971= (NM_001354896.2); c.2889A>G, p.Lys963= (NM_001354897.2); c.2784A>G, p.Lys928= (NM_001354898.2); c.2775A>G, p.Lys925= (NM_001354899.2); c.2736A>G, p.Lys912= (NM_001354900.2); c.2682A>G, p.Lys894= (NM_001354901.2); and 5 more.
Identifiers: ClinVar variation 233866 (VCV000233866.8), dbSNP rs759348312, ClinGen allele CA033789.

ClinVar aggregate classification (germline): Benign/Likely benign. Review status: criteria provided, multiple submitters, no conflicts (2 of 4 stars). 4 submissions from 4 submitters: Benign (1); Likely benign (3). Last evaluated 2024-12-19.

Conditions:
Hereditary cancer-predisposing syndrome. Also called: Neoplastic Syndromes, Hereditary; Tumor predisposition; Hereditary Cancer Syndrome; Hereditary neoplastic syndrome. Identifiers: Orphanet 140162, MedGen C0027672, MeSH D009386, MONDO:0015356.
Familial adenomatous polyposis 1 (FAP1). Also called: FAMILIAL ADENOMATOUS POLYPOSIS 1, ATTENUATED; POLYPOSIS, ADENOMATOUS INTESTINAL. Identifiers: MedGen C2713442, MONDO:0021056, OMIM 175100. Disease mechanism: loss of function.

Allele frequency attached by ClinVar (database versions not stated): gnomAD exomes below 0.00001; ExAC 0.00001.

Submissions (4):

Labcorp Genetics (formerly Invitae), Labcorp
Classification: Likely benign for Familial adenomatous polyposis 1. Last evaluated: 2024-12-19. Review status: criteria provided, single submitter. Criteria: Invitae Variant Classification Sherloc (09022015). Collection method: clinical testing. Allele origin: germline.

Color Diagnostics, LLC DBA Color Health
Classification: Likely benign for Hereditary cancer-predisposing syndrome. Last evaluated: 2024-12-16. Review status: criteria provided, single submitter. Criteria: ACMG Guidelines, 2015. Collection method: clinical testing. Allele origin: germline.

Myriad Genetics, Inc.
Classification: Benign for Familial adenomatous polyposis 1. Last evaluated: 2024-03-15. Review status: criteria provided, single submitter. Criteria: Myriad Autosomal Dominant, Autosomal Recessive and X-Linked Classification Criteria (2023). Collection method: clinical testing. Allele origin: unknown.
Comment: This variant is considered benign. This variant is a silent/synonymous amino acid change and it is not expected to impact splicing.

Ambry Genetics
Classification: Likely benign for Hereditary cancer-predisposing syndrome. Last evaluated: 2015-09-13. Review status: criteria provided, single submitter. Criteria: Ambry Variant Classification Scheme 2023. Collection method: clinical testing. Allele origin: germline.